The following is an entry in ClinVar:

NM_014297.5(ETHE1):c.131_132del (p.Glu44fs)

Gene: ETHE1 (ETHE1 persulfide dioxygenase; minus strand). Cytogenetic location: 19q13.31.
Variant type: Microsatellite.
Coding change: c.131_132del on transcript NM_014297.5 (MANE Select); coding-DNA positions 131 to 132, 2 bases deleted (AG; older notation c.131_132delAG).
Protein change: p.Glu44fs; shifts the reading frame from glutamic acid 44.
Molecular consequence: frameshift variant. On other transcripts: 5 prime UTR variant (1), intron variant (1).
Genome position (GRCh38, 1-based): chr19:43,526,609-43,526,610, CT deleted on the plus strand (AG on the coding strand, the reverse complement: ETHE1 is on the minus strand); deleting any 2 consecutive bases within chr19:43,526,609-43,526,614 gives the same sequence; the c. name uses the placement nearest the transcript's 3' end. VCF-style (leftmost placement, unchanged base first): chr19-43526608-ACT-A. GRCh37 (hg19) VCF-style: chr19-44030760-ACT-A.
Other names: c.131_132del, p.Glu44fs (NM_001320867.2); c.-94AG[2] (NM_001320868.2); c.81+483AG[2] (NM_001320869.2); c.131_132delAG (NM_014297.5); short protein forms E44fs.
Identifiers: ClinVar variation 504493 (VCV000504493.19), dbSNP rs761827730, ClinGen allele CA9487941.

ClinVar aggregate classification (germline): Pathogenic. Review status: criteria provided, multiple submitters, no conflicts (2 of 4 stars). 10 submissions from 10 submitters: Pathogenic (7). 3 of the submissions do not count toward it. Last evaluated 2025-03-30.

Conditions:
Ethylmalonic encephalopathy (EE). Also called: Syndrome of encephalopathy, petechiae, and ethylmalonic aciduria; EPEMA syndrome; Encephalopathy, petechiae, and ethylmalonic aciduria. Identifiers: Orphanet 51188, MedGen C1865349, MONDO:0011229, OMIM 602473. Disease mechanism: loss of function.

Submissions (10):

Victorian Clinical Genetics Services, Murdoch Childrens Research Institute
Classification: Pathogenic for Ethylmalonic encephalopathy. Last evaluated: 2025-03-30. Review status: criteria provided, single submitter. Criteria: ACMG Guidelines, 2015. Collection method: clinical testing. Allele origin: germline.
Comment: This variant is classified as Pathogenic. Evidence in support of pathogenic classification: Variant is predicted to cause nonsense-mediated decay (NMD) and loss of protein (premature termination codon is located at least 54 nucleotides upstream of the final exon-exon junction); Variant is present in gnomAD <0.01 for a recessive condition (v4: 29 heterozygote(s), 0 homozygote(s)); This variant has moderate previous evidence of pathogenicity in unrelated individuals. It has been reported as homozygous and compound heterozygous in individuals with ethylmalonic encephalopathy (ClinVar, PMID: 14732903, PMID: 26917598); Other NMD-predicted variant(s) comparable to the one identified in this case have very strong previous evidence for pathogenicity (DECIPHER). Additional information: This variant is heterozygous; This gene is associated with autosomal recessive disease; Loss of function is a known mechanism of disease in this gene and is associated with ethylmalonic encephalopathy (MIM#602473); Parental origin of the variant is unresolved.

First Genomix Gene Laboratory, Genetic Diagnostics Department
Classification: Pathogenic for Ethylmalonic encephalopathy. Last evaluated: 2025-03-19. Review status: criteria provided, single submitter. Criteria: ACMG Guidelines, 2015. Collection method: clinical testing. Allele origin: germline. Inheritance: Autosomal recessive inheritance. Affected: no. Observed: 1 variant allele.

Fulgent Genetics
Classification: Pathogenic for Ethylmalonic encephalopathy. Last evaluated: 2024-03-27. Review status: criteria provided, single submitter. Criteria: ACMG Guidelines, 2015. Collection method: clinical testing. Allele origin: germline.

Baylor Genetics
Classification: Pathogenic for Ethylmalonic encephalopathy. Last evaluated: 2024-02-05. Review status: criteria provided, single submitter. Criteria: ACMG Guidelines, 2015. Collection method: clinical testing. Allele origin: unknown.

Labcorp Genetics (formerly Invitae), Labcorp
Classification: Pathogenic for Ethylmalonic encephalopathy. Last evaluated: 2023-12-22. Review status: criteria provided, single submitter. Criteria: Invitae Variant Classification Sherloc (09022015). Collection method: clinical testing. Allele origin: germline.
Comment: This sequence change creates a premature translational stop signal (p.Glu44Valfs*62) in the ETHE1 gene. It is expected to result in an absent or disrupted protein product. Loss-of-function variants in ETHE1 are known to be pathogenic (PMID: 14732903, 19136963). This variant is present in population databases (rs761827730, gnomAD 0.006%). This premature translational stop signal has been observed in individual(s) with ethylmalonic encephalopathy (PMID: 14732903). In at least one individual the data is consistent with being in trans (on the opposite chromosome) from a pathogenic variant. This variant is also known as E44fsX105. ClinVar contains an entry for this variant (Variation ID: 504493). For these reasons, this variant has been classified as Pathogenic.

Neuberg Centre For Genomic Medicine, NCGM
Classification: Pathogenic for Ethylmalonic encephalopathy. Last evaluated: 2023-06-22. Review status: criteria provided, single submitter. Criteria: ACMG Guidelines, 2015. Collection method: clinical testing. Allele origin: germline. Inheritance: Autosomal recessive inheritance. Affected: yes.
Comment: The observed frameshift c.131_132del(p.Glu44ValfsTer62) variant in ETHE1 gene has been reported previously in homozygous state in individual(s) affected with Ethylmalonic encephalopathy (EE) (Platt et al., 2023). This variant is reported with the allele frequency of 0.001% in the gnomAD Exomes. This variant has been reported to the ClinVar database as Pathogenic (multiple submissions). This variant causes a frameshift starting with codon Glutamic Acid 44, changes this amino acid to Valine residue, and creates a premature Stop codon at position 62 of the new reading frame, denoted p.Glu44ValfsTer62. This variant is predicted to cause loss of normal protein function through protein truncation. Loss of function variants have been previously reported to be disease causing (Tiranti et al., 2009). For these reasons, this variant has been classified as Pathogenic.

Women's Health and Genetics/Laboratory Corporation of America, LabCorp
Classification: Pathogenic for Ethylmalonic encephalopathy. Last evaluated: 2018-09-24. Review status: criteria provided, single submitter. Criteria: LabCorp Variant Classification Summary - May 2015. Collection method: clinical testing. Allele origin: germline.
Comment: Variant summary: ETHE1 c.131_132delAG (p.Glu44ValfsX62) results in a premature termination codon, predicted to cause a truncation of the encoded protein or absence of the protein due to nonsense mediated decay, which are commonly known mechanisms for disease. The variant allele was found at a frequency of 1.2e-05 in 246334 control chromosomes (gnomAD and publication). The variant, c.131_132delAG, has been reported in the literature in individuals affected with Ethylmalonic Encephalopathy, in compound heterozygotes and one homozygote (Boyer_2018, Dionisi-Vici_2016), and was shown to segregate in one family (Tiranti_2004). These data indicate that the variant is likely to be associated with disease. To our knowledge, no experimental evidence demonstrating an impact on protein function has been reported. One reputable database has submitted clinical-significance assessments for this variant to ClinVar after 2014 without evidence for independent evaluation and classified the variant as pathogenic. Based on the evidence outlined above, the variant was classified as pathogenic.

Solve-RD Consortium
Classification: Likely pathogenic for Ethylmalonic encephalopathy. Last evaluated: 2022-06-01. Review status: no assertion criteria provided. Collection method: provider interpretation. Allele origin: inherited. Affected: yes. Not counted in ClinVar's aggregate classification.
Comment: Variant confirmed as disease-causing by referring clinical team

Variant identified during reanalysis of unsolved cases by the Solve-RD project. The Solve-RD project has received funding from the European Union’s Horizon 2020 research and innovation programme under grant agreement No 779257.

Natera, Inc.
Classification: Pathogenic for Ethylmalonic encephalopathy. Last evaluated: 2020-09-16. Review status: no assertion criteria provided. Collection method: clinical testing. Allele origin: germline. Not counted in ClinVar's aggregate classification.

GeneReviews
No classification provided. Condition: Ethylmalonic encephalopathy. Review status: no classification provided. Collection method: literature only. Allele origin: germline. Not counted in ClinVar's aggregate classification.

Literature cited by the submitters: PubMed 26917598 (cited by Victorian Clinical Genetics Services, Murdoch Childrens Research Institute and Women's Health and Genetics/Laboratory Corporation of America, LabCorp); PubMed 14732903 (cited by 3 submitters); PubMed 19136963 (cited by Labcorp Genetics (formerly Invitae), Labcorp); PubMed 18593870 (cited by Women's Health and Genetics/Laboratory Corporation of America, LabCorp); PubMed 29526615 (cited by Women's Health and Genetics/Laboratory Corporation of America, LabCorp); PubMed 16183799 (cited by Women's Health and Genetics/Laboratory Corporation of America, LabCorp); PubMed 39825153 (cited by Solve-RD Consortium); NCBI Bookshelf NBK453432 (cited by GeneReviews); PubMed 28933811 (cited by GeneReviews).